The following is an entry in ClinVar:

NM_002691.4(POLD1):c.766G>C (p.Val256Leu)

Gene: POLD1 (DNA polymerase delta 1, catalytic subunit; plus strand). Cytogenetic location: 19q13.33.
Variant type: single nucleotide variant.
Coding change: c.766G>C on transcript NM_002691.4 (MANE Select); coding-DNA position 766, G replaced by C.
Protein change: p.Val256Leu; replaces valine 256 with leucine.
Molecular consequence: missense variant. On other transcripts: non-coding transcript variant (1).
Genome position (GRCh38, 1-based): chr19:50,402,461, G>C. VCF-style: chr19-50402461-G-C. GRCh37 (hg19) VCF-style: chr19-50905718-G-C.
Other names: c.766G>C, p.Val256Leu (NM_001256849.1, NM_001308632.1); c.766G>C (NM_002691.2); short protein forms V256L.
Identifiers: ClinVar variation 1313757 (VCV001313757.10), dbSNP rs746195458, ClinGen allele CA9595899.

ClinVar aggregate classification (germline): Uncertain significance. Review status: criteria provided, multiple submitters, no conflicts (2 of 4 stars). 3 submissions from 3 submitters: Uncertain significance (3). Last evaluated 2024-10-10.

Conditions:
POLD1-related polyposis and colorectal cancer syndrome (CRCS10). Also called: Colorectal cancer, susceptibility to, 10; Colorectal cancer 10; COLORECTAL CANCER, SUSCEPTIBILITY TO, ON CHROMOSOME 19q. Identifiers: Orphanet 220460, MedGen C2675481, MONDO:0012953, OMIM 612591.
Hereditary cancer-predisposing syndrome. Also called: Tumor predisposition; Hereditary Cancer Syndrome; Hereditary neoplastic syndrome; Neoplastic Syndromes, Hereditary. Identifiers: Orphanet 140162, MedGen C0027672, MeSH D009386, MONDO:0015356.

Allele frequency attached by ClinVar (database versions not stated): TOPMed below 0.00001; gnomAD 0.00001; ExAC 0.00002; gnomAD exomes 0.00001.
gnomAD v4.1: 3 of 1,612,866 alleles (0.00019%); highest among the groups gnomAD compares: Non-Finnish European, 0.00025%; no homozygotes.

Submissions (3):

Labcorp Genetics (formerly Invitae), Labcorp
Classification: Uncertain significance for POLD1-related polyposis and colorectal cancer syndrome. Last evaluated: 2024-10-10. Review status: criteria provided, single submitter. Criteria: Invitae Variant Classification Sherloc (09022015). Collection method: clinical testing. Allele origin: germline.
Comment: This sequence change replaces valine, which is neutral and non-polar, with leucine, which is neutral and non-polar, at codon 256 of the POLD1 protein (p.Val256Leu). This variant is present in population databases (rs746195458, gnomAD 0.002%). This variant has not been reported in the literature in individuals affected with POLD1-related conditions. ClinVar contains an entry for this variant (Variation ID: 1313757). Invitae Evidence Modeling of protein sequence and biophysical properties (such as structural, functional, and spatial information, amino acid conservation, physicochemical variation, residue mobility, and thermodynamic stability) indicates that this missense variant is not expected to disrupt POLD1 protein function with a negative predictive value of 80%. In summary, the available evidence is currently insufficient to determine the role of this variant in disease. Therefore, it has been classified as a Variant of Uncertain Significance.

Ambry Genetics
Classification: Uncertain significance for Hereditary cancer-predisposing syndrome. Last evaluated: 2024-04-01. Review status: criteria provided, single submitter. Criteria: Ambry Variant Classification Scheme 2023. Collection method: clinical testing. Allele origin: germline.
Comment: The p.V256L variant (also known as c.766G>C), located in coding exon 6 of the POLD1 gene, results from a G to C substitution at nucleotide position 766. The valine at codon 256 is replaced by leucine, an amino acid with highly similar properties. This amino acid position is conserved. In addition, the in silico prediction for this alteration is inconclusive. Based on the available evidence, the clinical significance of this alteration remains unclear.

GeneDx
Classification: Uncertain significance. Last evaluated: 2020-12-18. Review status: criteria provided, single submitter. Criteria: GeneDx Variant Classification Process June 2021. Collection method: clinical testing. Allele origin: germline. Affected: yes.
Comment: Not observed at a significant frequency in large population cohorts (Lek et al., 2016); In silico analysis supports that this missense variant has a deleterious effect on protein structure/function; Has not been previously published as pathogenic or benign to our knowledge